The following is an entry in ClinVar:

ClinVar aggregate classification (germline): Likely benign (0 of 4 stars; one submission).

Conditions:
SEC31A-related disorder. Also called: SEC31A-related condition.

Allele frequency attached by ClinVar (database versions not stated): ExAC 0.00027; 1000 Genomes Project 30x 0.00031; 1000 Genomes Project 0.00040; gnomAD 0.00092; ESP Exome Variant Server 0.00100; TOPMed 0.00117.
gnomAD v4.1: 262 of 1,614,128 alleles (0.016%); highest among the groups gnomAD compares: African/African-American, 0.27%; no homozygotes.

Submission:

PreventionGenetics, part of Exact Sciences
Classification: Likely benign for SEC31A-related condition. Last evaluated: 2022-05-23. Review status: no assertion criteria provided. Collection method: clinical testing. Allele origin: germline.
Comment: This variant is classified as likely benign based on ACMG/AMP sequence variant interpretation guidelines (Richards et al. 2015 PMID: 25741868, with internal and published modifications).

NM_001077207.4(SEC31A):c.908C>A (p.Thr303Lys)

Gene: SEC31A (SEC31 homolog A, COPII coat complex component; minus strand). Cytogenetic location: 4q21.22.
Variant type: single nucleotide variant.
Coding change: c.908C>A on transcript NM_001077207.4 (MANE Select); coding-DNA position 908, C replaced by A.
Protein change: p.Thr303Lys; replaces threonine 303 with lysine.
Molecular consequence: missense variant.
Genome position (GRCh38, 1-based): chr4:82,867,291, G>T on the plus strand (C>A on the coding strand, the complement: SEC31A is on the minus strand). VCF-style: chr4-82867291-G-T. GRCh37 (hg19) VCF-style: chr4-83788444-G-T.
Other names: c.908C>A, p.Thr303Lys (NM_001077206.4, NM_001077208.4, NM_001300744.3 and 48 more transcripts); c.893C>A, p.Thr298Lys (NM_001191049.2, NM_001400212.1, NM_001400214.1); c.746C>A, p.Thr249Lys (NM_001400215.1); c.434C>A, p.Thr145Lys (NM_001400224.1); short protein forms T145K, T249K, T298K, T303K.
Identifiers: ClinVar variation 3046435 (VCV003046435.2), dbSNP rs149492880, ClinGen allele CA2986760.
Genomic context (GRCh38, chr4:82,867,291, plus strand): 5'-GAAGCAGCTGATAAGACAGCAGGATTTCGGGGACACCACTGAATATCGAAGCACCACTGT[G>T]TGTTGGTGGGAAGTTCATATAACACCTAGGCCAACAAAAAACAAACAACAAAACTCAGAA-3'
Protein context (NP_001070675.1, residues 293-313): GEVLYELPTN[Thr303Lys]QWCFDIQWCP